The following is an entry in ClinVar:

ClinVar aggregate classification (germline): Uncertain significance (1 of 4 stars; one submission).

Submission:

Labcorp Genetics (formerly Invitae), Labcorp
Classification: Uncertain significance. Last evaluated: 2024-06-13. Review status: criteria provided, single submitter. Criteria: Invitae Variant Classification Sherloc (09022015). Collection method: clinical testing. Allele origin: germline.
Comment: This sequence change replaces aspartic acid, which is acidic and polar, with histidine, which is basic and polar, at codon 566 of the AK7 protein (p.Asp566His). This variant is present in population databases (rs114440862, gnomAD 0.01%). This variant has not been reported in the literature in individuals affected with AK7-related conditions. Advanced modeling of protein sequence and biophysical properties (such as structural, functional, and spatial information, amino acid conservation, physicochemical variation, residue mobility, and thermodynamic stability) performed at Invitae indicates that this missense variant is not expected to disrupt AK7 protein function with a negative predictive value of 80%. In summary, the available evidence is currently insufficient to determine the role of this variant in disease. Therefore, it has been classified as a Variant of Uncertain Significance.

NM_152327.5(AK7):c.1696G>C (p.Asp566His)

Gene: AK7 (adenylate kinase 7; plus strand). Cytogenetic location: 14q32.2.
Variant type: single nucleotide variant.
Coding change: c.1696G>C on transcript NM_152327.5 (MANE Select); coding-DNA position 1696, G replaced by C.
Protein change: p.Asp566His; replaces aspartic acid 566 with histidine.
Molecular consequence: missense variant.
Genome position (GRCh38, 1-based): chr14:96,478,605, G>C. VCF-style: chr14-96478605-G-C. GRCh37 (hg19) VCF-style: chr14-96944942-G-C.
Other names: c.1627G>C, p.Asp543His (NM_001350888.2, NM_001350890.2); c.1618G>C, p.Asp540His (NM_001350891.2); c.1498G>C, p.Asp500His (NM_001350892.2); short protein forms D540H, D543H, D500H, D566H.
Identifiers: ClinVar variation 3657480 (VCV003657480.2).